The following is an entry in ClinVar:

NM_000170.3(GLDC):c.2832G>A (p.Pro944=)

Gene: GLDC (glycine decarboxylase; minus strand). Cytogenetic location: 9p24.1.
Variant type: single nucleotide variant.
Coding change: c.2832G>A on transcript NM_000170.3 (MANE Select); coding-DNA position 2832, G replaced by A.
Protein change: p.Pro944=; no amino-acid change (proline 944 retained).
Molecular consequence: synonymous variant.
Genome position (GRCh38, 1-based): chr9:6,536,070, C>T on the plus strand (G>A on the coding strand, the complement: GLDC is on the minus strand). VCF-style: chr9-6536070-C-T. GRCh37 (hg19) VCF-style: chr9-6536070-C-T.
Identifiers: ClinVar variation 531782 (VCV000531782.18), dbSNP rs764242927, ClinGen allele CA4980062.

ClinVar aggregate classification (germline): Likely benign. Review status: criteria provided, multiple submitters, no conflicts (2 of 4 stars). 3 submissions from 3 submitters: Likely benign (3). Last evaluated 2026-01-21.

Conditions:
Glycine encephalopathy. Also called: Non-ketotic hyperglycinemia; Nonketotic hyperglycinemia. Identifiers: Orphanet 407, MedGen C0751748, MONDO:0011612, HP:0008288.

Allele frequency attached by ClinVar (database versions not stated): TOPMed 0.00001; gnomAD exomes 0.00002 and 0.00009; gnomAD 0.00003 and 0.00004; ExAC 0.00008.
gnomAD v4.1: 32 of 1,612,716 alleles (0.002%); highest among the groups gnomAD compares: East Asian, 0.04%; no homozygotes.

Submissions (3):

Labcorp Genetics (formerly Invitae), Labcorp
Classification: Likely benign for Glycine encephalopathy. Last evaluated: 2026-01-21. Review status: criteria provided, single submitter. Criteria: Invitae Variant Classification Sherloc (09022015). Collection method: clinical testing. Allele origin: germline.

CeGaT Center for Human Genetics Tuebingen
Classification: Likely benign. Last evaluated: 2025-10-01. Review status: criteria provided, single submitter. Criteria: CeGaT Center For Human Genetics Tuebingen Variant Classification Criteria Version 2. Collection method: clinical testing. Allele origin: germline. Affected: yes. Observed: 1 variant allele.
Comment: GLDC: BP4, BP7

Blueprint Genetics
Classification: Likely benign. Last evaluated: 2024-08-05. Review status: criteria provided, single submitter. Criteria: ACMG Guidelines, 2015. Collection method: clinical testing. Allele origin: germline.